The following is an entry in ClinVar:

ClinVar aggregate classification (germline): Uncertain significance (1 of 4 stars; one submission).

Conditions:
Leber congenital amaurosis 8 (LCA8). Identifiers: Orphanet 65, MedGen C3151202, MONDO:0013453, OMIM 613835.
Retinitis pigmentosa 12 (RP12). Also called: RP WITH OR WITHOUT PPRPE; RP WITH OR WITHOUT PRESERVED PARAARTERIOLE RETINAL PIGMENT EPITHELIUM; RETINITIS PIGMENTOSA WITH OR WITHOUT PARAARTERIOLAR PRESERVATION OF RETINAL PIGMENT EPITHELIUM. Identifiers: Orphanet 791, MedGen C1838647, MONDO:0010818, OMIM 600105.

Submission:

Labcorp Genetics (formerly Invitae), Labcorp
Classification: Uncertain significance for Leber congenital amaurosis 8; Retinitis pigmentosa 12. Last evaluated: 2025-01-27. Review status: criteria provided, single submitter. Criteria: Invitae Variant Classification Sherloc (09022015). Collection method: clinical testing. Allele origin: germline.
Comment: This sequence change replaces glutamine, which is neutral and polar, with histidine, which is basic and polar, at codon 335 of the CRB1 protein (p.Gln335His). This variant is not present in population databases (gnomAD no frequency). This variant has not been reported in the literature in individuals affected with CRB1-related conditions. ClinVar contains an entry for this variant (Variation ID: 2111059). Invitae Evidence Modeling of protein sequence and biophysical properties (such as structural, functional, and spatial information, amino acid conservation, physicochemical variation, residue mobility, and thermodynamic stability) indicates that this missense variant is not expected to disrupt CRB1 protein function with a negative predictive value of 95%. In summary, the available evidence is currently insufficient to determine the role of this variant in disease. Therefore, it has been classified as a Variant of Uncertain Significance.

NM_201253.3(CRB1):c.1005G>T (p.Gln335His)

Gene: CRB1 (crumbs cell polarity complex component 1; plus strand). Cytogenetic location: 1q31.3.
Variant type: single nucleotide variant.
Coding change: c.1005G>T on transcript NM_201253.3 (MANE Select); coding-DNA position 1005, G replaced by T.
Protein change: p.Gln335His; replaces glutamine 335 with histidine.
Molecular consequence: missense variant. On other transcripts: non-coding transcript variant (2).
Genome position (GRCh38, 1-based): chr1:197,356,847, G>T. VCF-style: chr1-197356847-G-T. GRCh37 (hg19) VCF-style: chr1-197325977-G-T.
Other names: c.669G>T, p.Gln223His (NM_001193640.2); c.798G>T, p.Gln266His (NM_001257965.2); c.1005G>T, p.Gln335His (NM_001257966.2); short protein forms Q266H, Q335H, Q223H.
Identifiers: ClinVar variation 2111059 (VCV002111059.2), dbSNP rs200669262, ClinGen allele CA344084330.